The following is an entry in ClinVar:

NM_000548.5(TSC2):c.4412G>C (p.Arg1471Thr)

Gene: TSC2 (TSC complex subunit 2; plus strand). Cytogenetic location: 16p13.3.
Variant type: single nucleotide variant.
Coding change: c.4412G>C on transcript NM_000548.5 (MANE Select); coding-DNA position 4412, G replaced by C.
Protein change: p.Arg1471Thr; replaces arginine 1471 with threonine.
Molecular consequence: missense variant.
Genome position (GRCh38, 1-based): chr16:2,084,634, G>C. VCF-style: chr16-2084634-G-C. GRCh37 (hg19) VCF-style: chr16-2134635-G-C.
Other names: c.4232G>C, p.Arg1411Thr (NM_001406670.1); c.4202G>C, p.Arg1401Thr (NM_001406671.1); c.4199G>C, p.Arg1400Thr (NM_001406673.1); c.4196G>C, p.Arg1399Thr (NM_001406675.1); c.4193G>C, p.Arg1398Thr (NM_001406676.1); c.4154G>C, p.Arg1385Thr (NM_001406677.1); c.4100G>C, p.Arg1367Thr (NM_001406678.1); c.4064G>C, p.Arg1355Thr (NM_001406679.1); and 26 more; short protein forms R1367T, R1385T, R1404T, R1411T, R1415T, R1428T, R1434T, R957T.
Identifiers: ClinVar variation 1740416 (VCV001740416.2), dbSNP rs2544285256, ClinGen allele CA394302088.

ClinVar aggregate classification (germline): Uncertain significance (1 of 4 stars; one submission).

Conditions:
Hereditary cancer-predisposing syndrome. Also called: Hereditary Cancer Syndrome; Hereditary neoplastic syndrome; Neoplastic Syndromes, Hereditary; Tumor predisposition. Identifiers: Orphanet 140162, MedGen C0027672, MeSH D009386, MONDO:0015356.

Submission:

Ambry Genetics
Classification: Uncertain significance for Hereditary cancer-predisposing syndrome. Last evaluated: 2020-11-05. Review status: criteria provided, single submitter. Criteria: Ambry Variant Classification Scheme 2023. Collection method: clinical testing. Allele origin: germline.
Comment: The p.R1471T variant (also known as c.4412G>C), located in coding exon 33 of the TSC2 gene, results from a G to C substitution at nucleotide position 4412. The arginine at codon 1471 is replaced by threonine, an amino acid with similar properties. This amino acid position is highly conserved in available vertebrate species. In addition, this alteration is predicted to be deleterious by in silico analysis. Since supporting evidence is limited at this time, the clinical significance of this alteration remains unclear.